The following is an entry in ClinVar:

ClinVar aggregate classification (germline): Uncertain significance. Review status: criteria provided, multiple submitters, no conflicts (2 of 4 stars). 2 submissions from 2 submitters: Uncertain significance (2). Last evaluated 2026-03-19.

Submissions (2):

GeneDx
Classification: Uncertain significance. Last evaluated: 2026-03-19. Review status: criteria provided, single submitter. Criteria: GeneDx Variant Classification Process June 2021. Collection method: clinical testing. Allele origin: germline.
Comment: Not observed at significant frequency in large population cohorts (gnomAD); In silico analysis suggests that this missense variant does not alter protein structure/function; Has not been previously published as pathogenic or benign to our knowledge

Ambry Genetics
Classification: Uncertain significance. Last evaluated: 2023-07-25. Review status: criteria provided, single submitter. Criteria: Ambry Variant Classification Scheme 2023. Collection method: clinical testing. Allele origin: germline.

NM_003458.4(BSN):c.5764A>C (p.Ser1922Arg)

Gene: BSN (bassoon presynaptic cytomatrix protein; plus strand). Cytogenetic location: 3p21.31.
Variant type: single nucleotide variant.
Coding change: c.5764A>C on transcript NM_003458.4 (MANE Select); coding-DNA position 5764, A replaced by C.
Protein change: p.Ser1922Arg; replaces serine 1922 with arginine.
Molecular consequence: missense variant.
Genome position (GRCh38, 1-based): chr3:49,655,320, A>C. VCF-style: chr3-49655320-A-C. GRCh37 (hg19) VCF-style: chr3-49692753-A-C.
Other names: short protein forms S1922R.
Identifiers: ClinVar variation 2613802 (VCV002613802.3), dbSNP rs2052589151, ClinGen allele CA352823984.